The following is an entry in ClinVar:

ClinVar aggregate classification (germline): Pathogenic. Review status: criteria provided, single submitter (1 of 4 stars). 2 submissions from 2 submitters: Pathogenic (1). 1 of the submissions does not count toward it. Last evaluated 2023-06-27.

Conditions:
Tuberous sclerosis syndrome (TSC). Also called: Tuberous Sclerosis Complex; Tuberous sclerosis. Identifiers: Orphanet 805, MedGen C0041341, MONDO:0001734.
Tuberous sclerosis 2 (TSC2). Identifiers: Orphanet 805, MedGen C1860707, MONDO:0013199, OMIM 613254.

Submissions (2):

Labcorp Genetics (formerly Invitae), Labcorp
Classification: Pathogenic for Tuberous sclerosis 2. Last evaluated: 2023-06-27. Review status: criteria provided, single submitter. Criteria: Invitae Variant Classification Sherloc (09022015). Collection method: clinical testing. Allele origin: germline.
Comment: For these reasons, this variant has been classified as Pathogenic. ClinVar contains an entry for this variant (Variation ID: 49186). This variant has not been reported in the literature in individuals affected with TSC2-related conditions. This variant is not present in population databases (gnomAD no frequency). This sequence change creates a premature translational stop signal (p.Leu663Phefs*35) in the TSC2 gene. It is expected to result in an absent or disrupted protein product. Loss-of-function variants in TSC2 are known to be pathogenic (PMID: 10205261, 17304050).

Tuberous sclerosis database (TSC2)
No classification provided. Condition: TSC. Review status: no classification provided. Criteria: Tuberous Sclerosis Database Assertion Criteria 2015. Collection method: curation. Allele origin: germline. Affected: yes. Not counted in ClinVar's aggregate classification.

Literature cited by the submitters: PubMed 10205261 (cited by Labcorp Genetics (formerly Invitae), Labcorp); PubMed 17304050 (cited by Labcorp Genetics (formerly Invitae), Labcorp).

NM_000548.5(TSC2):c.1987del (p.Leu663fs)

Gene: TSC2 (TSC complex subunit 2; plus strand). Cytogenetic location: 16p13.3.
Variant type: Deletion.
Coding change: c.1987del on transcript NM_000548.5 (MANE Select); coding-DNA position 1987, one base deleted (C; older notation c.1987delC).
Protein change: p.Leu663fs; shifts the reading frame from leucine 663.
Molecular consequence: frameshift variant.
Genome position (GRCh38, 1-based): chr16:2,071,824, C deleted; the last of 5 consecutive C bases (chr16:2,071,820-2,071,824); deleting any one gives the same sequence. VCF-style (leftmost placement, unchanged base first): chr16-2071819-GC-G. GRCh37 (hg19) VCF-style: chr16-2121820-GC-G.
Other names: c.1987del, p.Leu663fs (NM_001077183.3, NM_001114382.3, NM_001363528.2 and 3 more transcripts); c.1876del, p.Leu626fs (NM_001318827.2); c.1840del, p.Leu614fs (NM_001318829.2); c.1387del, p.Leu463fs (NM_001318831.2); c.2020del, p.Leu674fs (NM_001318832.2); short protein forms L463fs, L674fs, L614fs, L626fs, L663fs.
Identifiers: ClinVar variation 49186 (VCV000049186.5), dbSNP rs137854310, ClinGen allele CA016409.